The following is an entry in ClinVar:

ClinVar aggregate classification (germline): Likely pathogenic (1 of 4 stars; one submission).

Submission:

GeneDx
Classification: Likely pathogenic. Last evaluated: 2017-11-24. Review status: criteria provided, single submitter. Criteria: GeneDx Variant Classification (06012015). Collection method: clinical testing. Allele origin: germline. Affected: yes.
Comment: The W295X variant has not been published as a pathogenic variant, nor has it been reported as a benign variant to ourknowledge. The W295X variant is not observed in large population cohorts (Lek et al., 2016). TheW295X nonsense variant in the GABRG2 gene is predicted to cause loss of normal protein function either through protein truncation or nonsense-mediated mRNA decay. Therefore, this variant is likely pathogenic; however, the possibility that it is benign cannot be excluded.

NM_198904.4(GABRG2):c.885G>A (p.Trp295Ter)

Gene: GABRG2 (gamma-aminobutyric acid type A receptor subunit gamma2; plus strand). Cytogenetic location: 5q34.
Variant type: single nucleotide variant.
Coding change: c.885G>A on transcript NM_198904.4 (MANE Select); coding-DNA position 885, G replaced by A.
Protein change: p.Trp295Ter; replaces tryptophan 295 with a stop codon.
Molecular consequence: nonsense.
Genome position (GRCh38, 1-based): chr5:162,142,279, G>A. VCF-style: chr5-162142279-G-A. GRCh37 (hg19) VCF-style: chr5-161569285-G-A.
Other names: c.876G>A, p.Trp292Ter (NM_001375339.1); c.885G>A, p.Trp295Ter (NM_001375340.1, NM_000816.3); c.882G>A, p.Trp294Ter (NM_001375341.1, NM_001375342.1); c.1005G>A, p.Trp335Ter (NM_001375343.1, NM_198903.2); c.924G>A, p.Trp308Ter (NM_001375344.1); c.819G>A, p.Trp273Ter (NM_001375345.1, NM_001375346.1); c.798G>A, p.Trp266Ter (NM_001375347.1); c.465G>A, p.Trp155Ter (NM_001375348.1, NM_001375350.1); and 1 more; short protein forms W295*, W335*, W155*, W200*, W266*, W273*, W292*, W294*.
Identifiers: ClinVar variation 489143 (VCV000489143.2), dbSNP rs1554100509, ClinGen allele CA362182198.